The following is an entry in ClinVar:

ClinVar aggregate classification (germline): Likely pathogenic (1 of 4 stars; one submission).

Conditions:
Glycogen storage disease, type II (IOPD). Also called: Pompe Disease; CARDIOMEGALIA GLYCOGENICA DIFFUSA; GLYCOGENOSIS, GENERALIZED, CARDIAC FORM; GSD II; POMPE DISEASE, INFANTILE-ONSET; GLYCOGEN STORAGE DISEASE II, INFANTILE-ONSET. Identifiers: Orphanet 365, MedGen C0017921, MONDO:0009290, OMIM 232300.

Submission:

Genomenon, Inc
Classification: Likely pathogenic for Glycogen storage disease, type II. Last evaluated: 2026-07-01. Review status: criteria provided, single submitter. Criteria: Genomenon Sequence Variant Interpretation Standards - Updated. Collection method: curation. Allele origin: germline. Affected: yes.
Comment: GAA p.Asn573His (c.1717A>C) is a missense variant that changes the amino acid at codon 573 from Asparagine to Histidine. This variant has been observed in at least one proband with a GAA-related disorder in the compound heterozygous and/or homozygous state (PMID:31619483). At least one functional study has demonstrated a substantial alteration in protein function relative to the wild-type (PMID:18425781). It is absent or not present at a significant frequency in gnomAD. In silico models predict that this variant is possibly or probably damaging. In conclusion, we classify GAA p.Asn573His (c.1717A>C) as a likely pathogenic variant.

Literature cited by the submitters: PubMed 31619483; PubMed 18425781.

NM_000152.5(GAA):c.1717A>C (p.Asn573His)

Gene: GAA (alpha glucosidase; plus strand). Cytogenetic location: 17q25.3.
Variant type: single nucleotide variant.
Coding change: c.1717A>C on transcript NM_000152.5 (MANE Select); coding-DNA position 1717, A replaced by C.
Protein change: p.Asn573His; replaces asparagine 573 with histidine.
Molecular consequence: missense variant.
Genome position (GRCh38, 1-based): chr17:80,112,063, A>C. VCF-style: chr17-80112063-A-C. GRCh37 (hg19) VCF-style: chr17-78085862-A-C.
Other names: c.1717A>C, p.Asn573His (NM_001079803.3, NM_001079804.3, NM_001406741.1 and 1 more transcripts); short protein forms N573H.
Identifiers: ClinVar variation 4876621 (VCV004876621.1).